The following is an entry in ClinVar:

NC_000016.9:g.(?_14028029)_(14031735_?)del

Gene: ERCC4 (ERCC excision repair 4, endonuclease catalytic subunit; plus strand). Cytogenetic location: 16p13.12.
Variant type: Deletion.
Identifiers: ClinVar variation 3243523 (VCV003243523.1).

ClinVar aggregate classification (germline): Pathogenic (1 of 4 stars; one submission).

Conditions:
Xeroderma pigmentosum, group F (XPF). Also called: ERCC4-Related Xeroderma Pigmentosum; XERODERMA PIGMENTOSUM, COMPLEMENTATION GROUP F; XERODERMA PIGMENTOSUM VI; XP, GROUP F; XERODERMA PIGMENTOSUM, TYPE F; Xeroderma pigmentosum, type 6. Identifiers: MedGen C0268140, MONDO:0010215, OMIM 278760.
Cockayne syndrome. Identifiers: Orphanet 191, MedGen C0009207, MONDO:0016006.
Fanconi anemia complementation group Q. Identifiers: Orphanet 84, MedGen C3808988, MONDO:0014108, OMIM 615272.

Submission:

Labcorp Genetics (formerly Invitae), Labcorp
Classification: Pathogenic for Fanconi anemia complementation group Q; Xeroderma pigmentosum, group F; Cockayne syndrome. Last evaluated: 2023-09-20. Review status: criteria provided, single submitter. Criteria: Invitae Variant Classification Sherloc (09022015). Collection method: clinical testing. Allele origin: unknown.
Comment: For these reasons, this variant has been classified as Pathogenic. This variant has not been reported in the literature in individuals affected with ERCC4-related conditions. This variant is a gross deletion of the genomic region encompassing exon(s) 7-9 of the ERCC4 gene. This deletion is out-of-frame, and is expected to create a premature termination codon and result in an absent or disrupted protein product. Loss-of-function variants in ERCC4 are known to be pathogenic (PMID: 9580660).

Literature cited by the submitters: PubMed 9580660.